The following is an entry in ClinVar:

NM_001298.3(CNGA3):c.1862C>T (p.Ala621Val)

Gene: CNGA3 (cyclic nucleotide gated channel subunit alpha 3; plus strand). Cytogenetic location: 2q11.2.
Variant type: single nucleotide variant.
Coding change: c.1862C>T on transcript NM_001298.3 (MANE Select); coding-DNA position 1862, C replaced by T.
Protein change: p.Ala621Val; replaces alanine 621 with valine.
Molecular consequence: missense variant.
Genome position (GRCh38, 1-based): chr2:98,397,032, C>T. VCF-style: chr2-98397032-C-T. GRCh37 (hg19) VCF-style: chr2-99013495-C-T.
Other names: c.1808C>T, p.Ala603Val (NM_001079878.2); short protein forms A603V, A621V.
Identifiers: ClinVar variation 849644 (VCV000849644.11), dbSNP rs200819699, ClinGen allele CA1794107.
Genomic context (GRCh38, chr2:98,397,032, plus strand): 5'-AAGGACGGCAGATCCTGATGAAAGACAACCTGATCGATGAGGAGCTGGCCAGGGCGGGCG[C>T]GGACCCCAAGGACCTTGAGGAGAAAGTGGAGCAGCTGGGGTCCTCCCTGGACACCCTGCA-3'
Protein context (NP_001289.1, residues 611-631): LIDEELARAG[Ala621Val]DPKDLEEKVE

ClinVar aggregate classification (germline): Uncertain significance. Review status: criteria provided, multiple submitters, no conflicts (2 of 4 stars). 3 submissions from 3 submitters: Uncertain significance (3). Last evaluated 2024-12-02.

Conditions:
Inborn genetic diseases. Identifiers: MedGen C0950123, MeSH D030342.

Allele frequency attached by ClinVar (database versions not stated): ExAC 0.00005; TOPMed 0.00014; 1000 Genomes Project 0.00040; 1000 Genomes Project 30x 0.00047.
gnomAD v4.1: 75 of 1,613,960 alleles (0.0046%); highest among the groups gnomAD compares: African/African-American, 0.039%; no homozygotes.

Submissions (3):

Labcorp Genetics (formerly Invitae), Labcorp
Classification: Uncertain significance. Last evaluated: 2024-12-02. Review status: criteria provided, single submitter. Criteria: Invitae Variant Classification Sherloc (09022015). Collection method: clinical testing. Allele origin: germline.
Comment: This sequence change replaces alanine, which is neutral and non-polar, with valine, which is neutral and non-polar, at codon 621 of the CNGA3 protein (p.Ala621Val). This variant is present in population databases (rs200819699, gnomAD 0.04%). This variant has not been reported in the literature in individuals affected with CNGA3-related conditions. ClinVar contains an entry for this variant (Variation ID: 849644). Invitae Evidence Modeling of protein sequence and biophysical properties (such as structural, functional, and spatial information, amino acid conservation, physicochemical variation, residue mobility, and thermodynamic stability) indicates that this missense variant is not expected to disrupt CNGA3 protein function with a negative predictive value of 95%. In summary, the available evidence is currently insufficient to determine the role of this variant in disease. Therefore, it has been classified as a Variant of Uncertain Significance.

Blueprint Genetics
Classification: Uncertain significance. Last evaluated: 2024-07-29. Review status: criteria provided, single submitter. Criteria: ACMG Guidelines, 2015. Collection method: clinical testing. Allele origin: germline.

Ambry Genetics
Classification: Uncertain significance for Inborn genetic diseases. Last evaluated: 2024-05-20. Review status: criteria provided, single submitter. Criteria: Ambry Variant Classification Scheme 2023. Collection method: clinical testing. Allele origin: germline.